The following is an entry in ClinVar:

NM_006129.5(BMP1):c.355C>T (p.Arg119Trp)

Gene: BMP1 (bone morphogenetic protein 1; plus strand). Cytogenetic location: 8p21.3.
Variant type: single nucleotide variant.
Coding change: c.355C>T on transcript NM_006129.5 (MANE Select); coding-DNA position 355, C replaced by T.
Protein change: p.Arg119Trp; replaces arginine 119 with tryptophan.
Molecular consequence: missense variant. On other transcripts: non-coding transcript variant (2).
Genome position (GRCh38, 1-based): chr8:22,176,235, C>T. VCF-style: chr8-22176235-C-T. GRCh37 (hg19) VCF-style: chr8-22033748-C-T.
Other names: c.355C>T, p.Arg119Trp (NM_001199.4); short protein forms R119W.
Identifiers: ClinVar variation 2136650 (VCV002136650.4), dbSNP rs1262108882, ClinGen allele CA370541311.
Genomic context (GRCh38, chr8:22,176,235, plus strand): 5'-AGCACCAACGGGCAGCCTCAGAGGGGAGCCTGTGGGAGATGGAGAGGTAGATCCCGTAGC[C>T]GGCGGGCGGCGACGTCCCGACCAGAGCGTGTGTGGCCCGATGGGGTCATCCCCTTTGTCA-3'
Protein context (NP_006120.1, residues 109-129): CGRWRGRSRS[Arg119Trp]RAATSRPERV

ClinVar aggregate classification (germline): Uncertain significance (1 of 4 stars; one submission).

Allele frequency attached by ClinVar (database versions not stated): gnomAD exomes below 0.00001; TOPMed below 0.00001.
gnomAD v4.1: 5 of 1,613,900 alleles (0.00031%); highest among the groups gnomAD compares: Non-Finnish European, 0.00042%; no homozygotes.

Submission:

Labcorp Genetics (formerly Invitae), Labcorp
Classification: Uncertain significance. Last evaluated: 2022-09-06. Review status: criteria provided, single submitter. Criteria: Invitae Variant Classification Sherloc (09022015). Collection method: clinical testing. Allele origin: germline.
Comment: In summary, the available evidence is currently insufficient to determine the role of this variant in disease. Therefore, it has been classified as a Variant of Uncertain Significance. Algorithms developed to predict the effect of missense changes on protein structure and function (SIFT, PolyPhen-2, Align-GVGD) all suggest that this variant is likely to be disruptive. This missense change has been observed in individual(s) with ostegenesis imperfecta (PMID: 26402641). This variant is not present in population databases (gnomAD no frequency). This sequence change replaces arginine, which is basic and polar, with tryptophan, which is neutral and slightly polar, at codon 119 of the BMP1 protein (p.Arg119Trp).

Literature cited by the submitters: PubMed 26402641.